The following is an entry in ClinVar:

NM_172351.3(CD46):c.20G>T (p.Arg7Leu)

Genes: CD46 (CD46 molecule; plus strand), LOC129932405 (ATAC-STARR-seq lymphoblastoid active region 2449; plus strand). Cytogenetic location: 1q32.2.
Variant type: single nucleotide variant.
Coding change: c.20G>T on transcript NM_172351.3 (MANE Select); coding-DNA position 20, G replaced by T.
Protein change: p.Arg7Leu; replaces arginine 7 with leucine.
Molecular consequence: missense variant.
Genome position (GRCh38, 1-based): chr1:207,752,232, G>T. VCF-style: chr1-207752232-G-T. GRCh37 (hg19) VCF-style: chr1-207925577-G-T.
Other names: c.20G>T, p.Arg7Leu (NM_002389.4, NM_153826.4, NM_172350.3 and 8 more transcripts); short protein forms R7L.
Identifiers: ClinVar variation 3656160 (VCV003656160.2).

ClinVar aggregate classification (germline): Uncertain significance (1 of 4 stars; one submission).

Submission:

Labcorp Genetics (formerly Invitae), Labcorp
Classification: Uncertain significance. Last evaluated: 2024-06-10. Review status: criteria provided, single submitter. Criteria: Invitae Variant Classification Sherloc (09022015). Collection method: clinical testing. Allele origin: germline.
Comment: This sequence change replaces arginine, which is basic and polar, with leucine, which is neutral and non-polar, at codon 7 of the CD46 protein (p.Arg7Leu). This variant is not present in population databases (gnomAD no frequency). This variant has not been reported in the literature in individuals affected with CD46-related conditions. Algorithms developed to predict the effect of missense changes on protein structure and function output the following: SIFT: "Not Available"; PolyPhen-2: "Benign"; Align-GVGD: "Not Available". The leucine amino acid residue is found in multiple mammalian species, which suggests that this missense change does not adversely affect protein function. In summary, the available evidence is currently insufficient to determine the role of this variant in disease. Therefore, it has been classified as a Variant of Uncertain Significance.